The following is an entry in ClinVar:

NM_004360.5(CDH1):c.2110G>A (p.Gly704Arg)

Gene: CDH1 (cadherin 1; plus strand). Cytogenetic location: 16q22.1.
Variant type: single nucleotide variant.
Coding change: c.2110G>A on transcript NM_004360.5 (MANE Select); coding-DNA position 2110, G replaced by A.
Protein change: p.Gly704Arg; replaces glycine 704 with arginine.
Molecular consequence: missense variant.
Genome position (GRCh38, 1-based): chr16:68,823,572, G>A. VCF-style: chr16-68823572-G-A. GRCh37 (hg19) VCF-style: chr16-68857475-G-A.
Other names: c.2110G>A (LRG_301t1); c.1927G>A, p.Gly643Arg (NM_001317184.2); c.562G>A, p.Gly188Arg (NM_001317185.2); c.145G>A, p.Gly49Arg (NM_001317186.2); short protein forms G704R, G188R, G49R, G643R.
Identifiers: ClinVar variation 580545 (VCV000580545.11), dbSNP rs1567513430, ClinGen allele CA396467868.

ClinVar aggregate classification (germline): Uncertain significance. Review status: criteria provided, multiple submitters, no conflicts (2 of 4 stars). 2 submissions from 2 submitters: Uncertain significance (2). Last evaluated 2022-07-19.

Conditions:
Hereditary diffuse gastric adenocarcinoma (HDGC). Also called: DIFFUSE GASTRIC AND LOBULAR BREAST CANCER SYNDROME. Identifiers: Orphanet 26106, MedGen C1708349, MONDO:0007648, OMIM 137215.
Hereditary cancer-predisposing syndrome. Also called: Hereditary neoplastic syndrome; Tumor predisposition; Hereditary Cancer Syndrome; Neoplastic Syndromes, Hereditary. Identifiers: Orphanet 140162, MedGen C0027672, MeSH D009386, MONDO:0015356.

Submissions (2):

Labcorp Genetics (formerly Invitae), Labcorp
Classification: Uncertain significance for Hereditary diffuse gastric adenocarcinoma. Last evaluated: 2022-07-19. Review status: criteria provided, single submitter. Criteria: Invitae Variant Classification Sherloc (09022015). Collection method: clinical testing. Allele origin: germline.
Comment: This missense change has been observed in individual(s) with breast cancer (PMID: 30287823). This variant is not present in population databases (gnomAD no frequency). This sequence change replaces glycine, which is neutral and non-polar, with arginine, which is basic and polar, at codon 704 of the CDH1 protein (p.Gly704Arg). ClinVar contains an entry for this variant (Variation ID: 580545). In summary, the available evidence is currently insufficient to determine the role of this variant in disease. Therefore, it has been classified as a Variant of Uncertain Significance. Algorithms developed to predict the effect of missense changes on protein structure and function (SIFT, PolyPhen-2, Align-GVGD) all suggest that this variant is likely to be disruptive.

Ambry Genetics
Classification: Uncertain significance for Hereditary cancer-predisposing syndrome. Last evaluated: 2019-06-20. Review status: criteria provided, single submitter. Criteria: Ambry Variant Classification Scheme 2023. Collection method: clinical testing. Allele origin: germline.
Comment: The p.G704R variant (also known as c.2110G>A), located in coding exon 13 of the CDH1 gene, results from a G to A substitution at nucleotide position 2110. The glycine at codon 704 is replaced by arginine, an amino acid with dissimilar properties. This alteration has been reported with a carrier frequency of 0.00014 in 7051 unselected breast cancer patients and 0 in 11241 female controls of Japanese ancestry (Momozawa Y et al. Nat Commun, 2018 10;9:4083). This amino acid position is well conserved in available vertebrate species. In addition, the in silico prediction for this alteration is inconclusive. Since supporting evidence is limited at this time, the clinical significance of this alteration remains unclear.

Literature cited by the submitters: PubMed 30287823 (cited by Labcorp Genetics (formerly Invitae), Labcorp and Ambry Genetics).